The following is an entry in ClinVar:

NM_001184.4(ATR):c.5559A>T (p.Arg1853Ser)

Gene: ATR (ATR checkpoint kinase; minus strand). Cytogenetic location: 3q23.
Variant type: single nucleotide variant.
Coding change: c.5559A>T on transcript NM_001184.4 (MANE Select); coding-DNA position 5559, A replaced by T.
Protein change: p.Arg1853Ser; replaces arginine 1853 with serine.
Molecular consequence: missense variant.
Genome position (GRCh38, 1-based): chr3:142,497,192, T>A on the plus strand (A>T on the coding strand, the complement: ATR is on the minus strand). VCF-style: chr3-142497192-T-A. GRCh37 (hg19) VCF-style: chr3-142216034-T-A.
Other names: c.5367A>T, p.Arg1789Ser (NM_001354579.2); short protein forms R1853S, R1789S.
Identifiers: ClinVar variation 1428478 (VCV001428478.6), dbSNP rs2108337010, ClinGen allele CA354815056.

ClinVar aggregate classification (germline): Uncertain significance (1 of 4 stars; one submission).

Submission:

Labcorp Genetics (formerly Invitae), Labcorp
Classification: Uncertain significance. Last evaluated: 2021-09-23. Review status: criteria provided, single submitter. Criteria: Invitae Variant Classification Sherloc (09022015). Collection method: clinical testing. Allele origin: germline.
Comment: In summary, the available evidence is currently insufficient to determine the role of this variant in disease. Therefore, it has been classified as a Variant of Uncertain Significance. Algorithms developed to predict the effect of sequence changes on RNA splicing suggest that this variant may disrupt the consensus splice site. Algorithms developed to predict the effect of missense changes on protein structure and function are either unavailable or do not agree on the potential impact of this missense change (SIFT: "Tolerated"; PolyPhen-2: "Probably Damaging"; Align-GVGD: "Class C0"). This variant has not been reported in the literature in individuals affected with ATR-related conditions. This variant is not present in population databases (ExAC no frequency). This sequence change replaces arginine with serine at codon 1853 of the ATR protein (p.Arg1853Ser). The arginine residue is moderately conserved and there is a moderate physicochemical difference between arginine and serine.